The following is an entry in ClinVar:

NM_004310.5(RHOH):c.29T>C (p.Val10Ala)

Gene: RHOH (ras homolog family member H; plus strand). Cytogenetic location: 4p14.
Variant type: single nucleotide variant.
Coding change: c.29T>C on transcript NM_004310.5 (MANE Select); coding-DNA position 29, T replaced by C.
Protein change: p.Val10Ala; replaces valine 10 with alanine.
Molecular consequence: missense variant.
Genome position (GRCh38, 1-based): chr4:40,243,415, T>C. VCF-style: chr4-40243415-T-C. GRCh37 (hg19) VCF-style: chr4-40245035-T-C.
Other names: c.29T>C, p.Val10Ala (NM_001278359.2, NM_001278360.2, NM_001278361.2 and 8 more transcripts); short protein forms V10A.
Identifiers: ClinVar variation 1517425 (VCV001517425.8), dbSNP rs2109588980, ClinGen allele CA356781708.
Genomic context (GRCh38, chr4:40,243,415, plus strand): 5'-TGGACTTCAGAGTAGGACAGCAGGCTGGGAAGATGCTGAGTTCCATCAAGTGCGTGTTGG[T>C]GGGCGACTCTGCTGTGGGGAAAACCTCTCTGTTGGTGCGCTTCACCTCCGAGACCTTCCC-3'
Protein context (NP_004301.1, residues 1-20): MLSSIKCVL[Val10Ala]GDSAVGKTSL

ClinVar aggregate classification (germline): Uncertain significance (1 of 4 stars; one submission).

Conditions:
T-cell immunodeficiency with epidermodysplasia verruciformis. Identifiers: Orphanet 324294, MedGen C4749500, MONDO:0017925.

Submission:

Labcorp Genetics (formerly Invitae), Labcorp
Classification: Uncertain significance for T-cell immunodeficiency with epidermodysplasia verruciformis. Last evaluated: 2022-07-19. Review status: criteria provided, single submitter. Criteria: Invitae Variant Classification Sherloc (09022015). Collection method: clinical testing. Allele origin: germline.
Comment: In summary, the available evidence is currently insufficient to determine the role of this variant in disease. Therefore, it has been classified as a Variant of Uncertain Significance. Algorithms developed to predict the effect of missense changes on protein structure and function (SIFT, PolyPhen-2, Align-GVGD) all suggest that this variant is likely to be disruptive. ClinVar contains an entry for this variant (Variation ID: 1517425). This variant has not been reported in the literature in individuals affected with RHOH-related conditions. This variant is not present in population databases (gnomAD no frequency). This sequence change replaces valine, which is neutral and non-polar, with alanine, which is neutral and non-polar, at codon 10 of the RHOH protein (p.Val10Ala).